The following is an entry in ClinVar:

NM_005687.5(FARSB):c.893C>G (p.Thr298Ser)

Gene: FARSB (phenylalanyl-tRNA synthetase subunit beta; minus strand). Cytogenetic location: 2q36.1.
Variant type: single nucleotide variant.
Coding change: c.893C>G on transcript NM_005687.5 (MANE Select); coding-DNA position 893, C replaced by G.
Protein change: p.Thr298Ser; replaces threonine 298 with serine.
Molecular consequence: missense variant. On other transcripts: non-coding transcript variant (1).
Genome position (GRCh38, 1-based): chr2:222,628,844, G>C on the plus strand (C>G on the coding strand, the complement: FARSB is on the minus strand). VCF-style: chr2-222628844-G-C. GRCh37 (hg19) VCF-style: chr2-223493563-G-C.
Other names: short protein forms T298S.
Identifiers: ClinVar variation 2003768 (VCV002003768.4), dbSNP rs773534672, ClinGen allele CA350812940.

ClinVar aggregate classification (germline): Uncertain significance (1 of 4 stars; one submission).

Allele frequency attached by ClinVar (database versions not stated): gnomAD 0.00001.
gnomAD v4.1: 2 of 1,599,942 alleles (0.00013%); highest among the groups gnomAD compares: African/African-American, 0.0027%; no homozygotes.

Submission:

Labcorp Genetics (formerly Invitae), Labcorp
Classification: Uncertain significance. Last evaluated: 2023-07-10. Review status: criteria provided, single submitter. Criteria: Invitae Variant Classification Sherloc (09022015). Collection method: clinical testing. Allele origin: germline.
Comment: This sequence change replaces threonine, which is neutral and polar, with serine, which is neutral and polar, at codon 298 of the FARSB protein (p.Thr298Ser). In summary, the available evidence is currently insufficient to determine the role of this variant in disease. Therefore, it has been classified as a Variant of Uncertain Significance. Advanced modeling of protein sequence and biophysical properties (such as structural, functional, and spatial information, amino acid conservation, physicochemical variation, residue mobility, and thermodynamic stability) performed at Invitae indicates that this missense variant is not expected to disrupt FARSB protein function. ClinVar contains an entry for this variant (Variation ID: 2003768). This variant has not been reported in the literature in individuals affected with FARSB-related conditions. This variant is present in population databases (no rsID available, gnomAD 0.01%).